The following is an entry in ClinVar:

ClinVar aggregate classification (germline): Benign/Likely benign. Review status: criteria provided, multiple submitters, no conflicts (2 of 4 stars). 4 submissions from 4 submitters: Benign (1); Likely benign (3). Last evaluated 2026-05-02.

Conditions:
Hereditary cancer-predisposing syndrome. Also called: Hereditary neoplastic syndrome; Neoplastic Syndromes, Hereditary; Tumor predisposition; Hereditary Cancer Syndrome. Identifiers: Orphanet 140162, MedGen C0027672, MeSH D009386, MONDO:0015356.
Oligodontia-cancer predisposition syndrome. Also called: TOOTH AGENESIS-COLORECTAL CANCER SYNDROME. Identifiers: Orphanet 300576, MedGen C1837750, MONDO:0012075, OMIM 608615. Disease mechanism: loss of function.

Allele frequency attached by ClinVar (database versions not stated): gnomAD exomes 0.00001 and below 0.00001; ExAC 0.00001.
gnomAD v4.1: 3 of 1,603,328 alleles (0.00019%); highest among the groups gnomAD compares: Non-Finnish European, 0.00026%; no homozygotes.

Submissions (4):

Ambry Genetics
Classification: Likely benign for Hereditary cancer-predisposing syndrome. Last evaluated: 2026-05-02. Review status: criteria provided, single submitter. Criteria: Ambry Variant Classification Scheme 2023. Collection method: clinical testing. Allele origin: germline.

Center for Genomic Medicine, Rigshospitalet, Copenhagen University Hospital
Classification: Likely benign. Last evaluated: 2025-03-04. Review status: criteria provided, single submitter. Criteria: ACMG Guidelines, 2015. Collection method: clinical testing. Allele origin: germline.

Myriad Genetics, Inc.
Classification: Benign for Oligodontia-cancer predisposition syndrome. Last evaluated: 2024-06-25. Review status: criteria provided, single submitter. Criteria: Myriad Autosomal Dominant, Autosomal Recessive and X-Linked Classification Criteria (2023). Collection method: clinical testing. Allele origin: unknown.
Comment: This variant is considered benign. This variant is a silent/synonymous amino acid change and it is not expected to impact splicing.

Labcorp Genetics (formerly Invitae), Labcorp
Classification: Likely benign for Oligodontia-cancer predisposition syndrome. Last evaluated: 2023-12-06. Review status: criteria provided, single submitter. Criteria: Invitae Variant Classification Sherloc (09022015). Collection method: clinical testing. Allele origin: germline.

NM_004655.4(AXIN2):c.159C>T (p.Ser53=)

Gene: AXIN2 (axin 2; minus strand). Cytogenetic location: 17q24.1.
Variant type: single nucleotide variant.
Coding change: c.159C>T on transcript NM_004655.4 (MANE Select); coding-DNA position 159, C replaced by T.
Protein change: p.Ser53=; no amino-acid change (serine 53 retained).
Molecular consequence: synonymous variant.
Genome position (GRCh38, 1-based): chr17:65,558,462, G>A on the plus strand (C>T on the coding strand, the complement: AXIN2 is on the minus strand). VCF-style: chr17-65558462-G-A. GRCh37 (hg19) VCF-style: chr17-63554580-G-A.
Other names: c.159C>T (NM_004655.3); c.159C>T, p.Ser53= (NM_001363813.1).
Identifiers: ClinVar variation 1101105 (VCV001101105.12), dbSNP rs774320588, ClinGen allele CA8719089.